The following is an entry in ClinVar:

ClinVar aggregate classification (germline): Uncertain significance (1 of 4 stars; one submission).

Conditions:
Cardiovascular phenotype. Identifiers: MedGen CN230736.

Submission:

Ambry Genetics
Classification: Uncertain significance for Cardiovascular phenotype. Last evaluated: 2023-03-20. Review status: criteria provided, single submitter. Criteria: Ambry Variant Classification Scheme 2023. Collection method: clinical testing. Allele origin: germline.
Comment: The p.P70L variant (also known as c.209C>T), located in coding exon 1 of the KCNQ1 gene, results from a C to T substitution at nucleotide position 209. The proline at codon 70 is replaced by leucine, an amino acid with similar properties. This amino acid position is not well conserved in available vertebrate species. In addition, the in silico prediction for this alteration is inconclusive. Since supporting evidence is limited at this time, the clinical significance of this alteration remains unclear.

NM_000218.3(KCNQ1):c.209C>T (p.Pro70Leu)

Gene: KCNQ1 (potassium voltage-gated channel subfamily Q member 1; plus strand). Cytogenetic location: 11p15.5.
Variant type: single nucleotide variant.
Coding change: c.209C>T on transcript NM_000218.3 (MANE Select); coding-DNA position 209, C replaced by T.
Protein change: p.Pro70Leu; replaces proline 70 with leucine.
Molecular consequence: missense variant. On other transcripts: 5 prime UTR variant (1).
Genome position (GRCh38, 1-based): chr11:2,445,307, C>T. VCF-style: chr11-2445307-C-T. GRCh37 (hg19) VCF-style: chr11-2466537-C-T.
Other names: c.209C>T, p.Pro70Leu (NM_001406836.1, NM_001406838.1); c.-154C>T (NM_001406837.1); short protein forms P70L.
Identifiers: ClinVar variation 2567544 (VCV002567544.2), dbSNP rs2496742024, ClinGen allele CA379116707.